The following is an entry in ClinVar:

NM_194454.3(KRIT1):c.1255-1_1256del

Gene: KRIT1 (KRIT1 ankyrin repeat containing; minus strand). Cytogenetic location: 7q21.2.
Variant type: Microsatellite.
Coding change: c.1255-1_1256del on transcript NM_194454.3 (MANE Select); the canonical splice acceptor site of the intron before coding-DNA position 1255 through coding-DNA position 1256, 3 bases deleted (GTA; older notation c.1255-1_1256delGTA).
Molecular consequence: splice acceptor variant.
Genome position (GRCh38, 1-based): chr7:92,222,977-92,222,979, TAC deleted on the plus strand (GTA on the coding strand, the reverse complement: KRIT1 is on the minus strand); deleting any 3 consecutive bases within chr7:92,222,977-92,222,982 gives the same sequence; the c. name uses the placement nearest the transcript's 3' end. VCF-style (leftmost placement, unchanged base first): chr7-92222976-ATAC-A. GRCh37 (hg19) VCF-style: chr7-91852290-ATAC-A.
Other names: c.1255-1_1256delGTA (NM_194454.3, NM_194456.1); c.1255-1_1256del (NM_001350672.1, NM_001350676.1, NM_001350673.1 and 26 more transcripts); c.1111-1_1112del (NM_001350669.1, NM_001013406.2, NM_001350670.1); c.541-1_542del (NM_001350671.1).
Identifiers: ClinVar variation 468206 (VCV000468206.11), dbSNP rs1554514380, ClinGen allele CA658657687.
Genomic context (GRCh38, chr7:92,222,976, plus strand): 5'-TCCATGCTTCAATTCAACAGAACGATATGACCCATCCATTCTGTATATTCGAACTTTTTC[ATAC>A]TACAAGAAACGATAACTTACGTAACGAACTTAAAAAATTATACATCACAATCTAACAAGA-3'

ClinVar aggregate classification (germline): Pathogenic. Review status: criteria provided, multiple submitters, no conflicts (2 of 4 stars). 3 submissions from 3 submitters: Pathogenic (3). Last evaluated 2025-09-21.

Conditions:
KRIT1-related disorder. Also called: KRIT1-related condition; KRIT1-related disorders.
Cerebral cavernous malformation (CCM). Also called: CAVERNOUS ANGIOMA, FAMILIAL; CAVERNOUS ANGIOMATOUS MALFORMATIONS; CEREBRAL CAPILLARY MALFORMATIONS; Cavernous Hemangioma of Brain; Cerebral cavernous hemangioma (type); Cerebral cavernous malformations. Identifiers: Orphanet 221061, MedGen C2919945, MONDO:0000820, OMIM 116860, HP:0033522.

Submissions (3):

Labcorp Genetics (formerly Invitae), Labcorp
Classification: Pathogenic for Cerebral cavernous malformation. Last evaluated: 2025-09-21. Review status: criteria provided, single submitter. Criteria: Invitae Variant Classification Sherloc (09022015). Collection method: clinical testing. Allele origin: germline.
Comment: This variant results in the deletion of part of exon 14 (c.1255-1_1256del) of the KRIT1 gene. It is expected to disrupt RNA splicing. Variants that disrupt the donor or acceptor splice site typically lead to a loss of protein function (PMID: 16199547), and loss-of-function variants in KRIT1 are known to be pathogenic (PMID: 10508515, 11222804, 12404106, 24689081). This variant is not present in population databases (gnomAD no frequency). This variant has been observed in individual(s) with cerebral cavernous malformations (PMID: 11914398, 18300272, 24689081). It has also been observed to segregate with disease in related individuals. This variant is also known as IVS13-2delATG. ClinVar contains an entry for this variant (Variation ID: 468206). For these reasons, this variant has been classified as Pathogenic.

PreventionGenetics, part of Exact Sciences
Classification: Pathogenic for KRIT1-related condition. Last evaluated: 2023-09-27. Review status: criteria provided, single submitter. Criteria: ACMG Guidelines, 2015. Collection method: clinical testing. Allele origin: germline.
Comment: The KRIT1 c.1255-1_1256delGTA variant is predicted to result in a deletion affecting a canonical splice site. This variant is predicted to result in an intronic in-frame deletion. This deletion of three nucleotides abolishes the consensus splice acceptor signal and is predicted to result in aberrant splicing (SpliceAI, Jaganathan K, et al. 2019. PubMed ID: 30661751). This variant has been reported multiple times to be causative for cerebral cavernous malformations (CCMs) (Verlaan et al. 2002. PubMed ID: 11914398; Stahl et al. 2008. PubMed ID: 18300272). We have also observed this deletion in several other affected patients at PreventionGenetics. This variant has not been reported in a large population database, indicating this variant is rare. This variant is interpreted as pathogenic.

Genetics and Molecular Pathology, SA Pathology
Classification: Pathogenic for Cerebral cavernous malformation. Last evaluated: 2022-08-17. Review status: criteria provided, single submitter. Criteria: ACMG Guidelines, 2015. Collection method: clinical testing. Allele origin: germline. Inheritance: Autosomal dominant inheritance. Affected: yes.

Literature cited by the submitters: PubMed 16199547 (cited by Labcorp Genetics (formerly Invitae), Labcorp); PubMed 10508515 (cited by Labcorp Genetics (formerly Invitae), Labcorp); PubMed 11222804 (cited by Labcorp Genetics (formerly Invitae), Labcorp); PubMed 12404106 (cited by Labcorp Genetics (formerly Invitae), Labcorp); PubMed 24689081 (cited by Labcorp Genetics (formerly Invitae), Labcorp); PubMed 11914398 (cited by Labcorp Genetics (formerly Invitae), Labcorp); PubMed 18300272 (cited by Labcorp Genetics (formerly Invitae), Labcorp).